The following is an entry in ClinVar:

ClinVar aggregate classification (germline): Likely benign. Review status: criteria provided, single submitter (1 of 4 stars). 2 submissions from 2 submitters: Likely benign (1). 1 of the submissions does not count toward it. Last evaluated 2025-08-27.

Conditions:
Inborn genetic diseases. Identifiers: MedGen C0950123, MeSH D030342.
MAP1B-related disorder. Also called: MAP1B-related condition.

Allele frequency attached by ClinVar (database versions not stated): gnomAD exomes 0.00003; ESP Exome Variant Server 0.00008; ExAC 0.00013; TOPMed 0.00014; gnomAD 0.00017; 1000 Genomes Project 30x 0.00047; 1000 Genomes Project 0.00060.
gnomAD v4.1: 64 of 1,613,962 alleles (0.004%); highest among the groups gnomAD compares: Middle Eastern, 0.066%; no homozygotes.

Submissions (2):

Ambry Genetics
Classification: Likely benign for Inborn genetic diseases. Last evaluated: 2025-08-27. Review status: criteria provided, single submitter. Criteria: Ambry Variant Classification Scheme 2023. Collection method: clinical testing. Allele origin: germline.

PreventionGenetics, part of Exact Sciences
Classification: Likely benign for MAP1B-related condition. Last evaluated: 2022-05-17. Review status: no assertion criteria provided. Collection method: clinical testing. Allele origin: germline. Not counted in ClinVar's aggregate classification.
Comment: This variant is classified as likely benign based on ACMG/AMP sequence variant interpretation guidelines (Richards et al. 2015 PMID: 25741868, with internal and published modifications).

NM_005909.5(MAP1B):c.5843G>A (p.Arg1948Gln)

Gene: MAP1B (microtubule associated protein 1B; plus strand). Cytogenetic location: 5q13.2.
Variant type: single nucleotide variant.
Coding change: c.5843G>A on transcript NM_005909.5 (MANE Select); coding-DNA position 5843, G replaced by A.
Protein change: p.Arg1948Gln; replaces arginine 1948 with glutamine.
Molecular consequence: missense variant.
Genome position (GRCh38, 1-based): chr5:72,199,198, G>A. VCF-style: chr5-72199198-G-A. GRCh37 (hg19) VCF-style: chr5-71495025-G-A.
Other names: c.5465G>A, p.Arg1822Gln (NM_001324255.2); c.5843G>A (NM_005909.3); short protein forms R1822Q, R1948Q.
Identifiers: ClinVar variation 3054462 (VCV003054462.3), dbSNP rs139240427, ClinGen allele CA3299386.
Genomic context (GRCh38, chr5:72,199,198, plus strand): 5'-AAACTACCAAGACCCCTGAAGATGGTGACTATTCCTATGAAATTATTGAGAAGACCACAC[G>A]GACCCCTGAAGAGGGTGGGTACTCATATGACATAAGTGAAAAGACCACCAGCCCCCCCGA-3'
Protein context (NP_005900.2, residues 1938-1958): YSYEIIEKTT[Arg1948Gln]TPEEGGYSYD